The following is an entry in ClinVar:

ClinVar aggregate classification (germline): Uncertain significance. Review status: criteria provided, multiple submitters, no conflicts (2 of 4 stars). 2 submissions from 2 submitters: Uncertain significance (2). Last evaluated 2025-08-11.

Conditions:
Xanthinuria type II. Also called: Xanthine dehydrogenase and aldehyde oxidase combined deficiency of; XDH and AOX dual deficiency. Identifiers: Orphanet 3467, Orphanet 93602, MedGen C1863688, MONDO:0011346, OMIM 603592.
Hereditary xanthinuria type 1 (XAN1). Identifiers: Orphanet 3467, Orphanet 93601, MedGen C0268118, MONDO:0010209, OMIM 278300.

Allele frequency attached by ClinVar (database versions not stated): ExAC 0.00001; TOPMed 0.00002; gnomAD 0.00003; 1000 Genomes Project 30x 0.00016; 1000 Genomes Project 0.00020.
gnomAD v4.1: 20 of 1,613,912 alleles (0.0012%); highest among the groups gnomAD compares: African/African-American, 0.016%; no homozygotes.

Submissions (2):

Labcorp Genetics (formerly Invitae), Labcorp
Classification: Uncertain significance for Xanthinuria type II. Last evaluated: 2025-08-11. Review status: criteria provided, single submitter. Criteria: Invitae Variant Classification Sherloc (09022015). Collection method: clinical testing. Allele origin: germline.
Comment: This sequence change falls in intron 35 of the XDH gene. It does not directly change the encoded amino acid sequence of the XDH protein. It affects a nucleotide within the consensus splice site. This variant is present in population databases (rs112278370, gnomAD 0.008%). This variant has not been reported in the literature in individuals affected with XDH-related conditions. ClinVar contains an entry for this variant (Variation ID: 2190348). Variants that disrupt the consensus splice site are a relatively common cause of aberrant splicing (PMID: 17576681, 9536098). Algorithms developed to predict the effect of sequence changes on RNA splicing suggest that this variant may disrupt the consensus splice site. In summary, the available evidence is currently insufficient to determine the role of this variant in disease. Therefore, it has been classified as a Variant of Uncertain Significance.

Fulgent Genetics
Classification: Uncertain significance for Hereditary xanthinuria type 1. Last evaluated: 2024-02-20. Review status: criteria provided, single submitter. Criteria: ACMG Guidelines, 2015. Collection method: clinical testing. Allele origin: germline.

Literature cited by the submitters: PubMed 17576681 (cited by Labcorp Genetics (formerly Invitae), Labcorp); PubMed 9536098 (cited by Labcorp Genetics (formerly Invitae), Labcorp).

NM_000379.4(XDH):c.3951+5G>T

Gene: XDH (xanthine dehydrogenase; minus strand). Cytogenetic location: 2p23.1.
Variant type: single nucleotide variant.
Coding change: c.3951+5G>T on transcript NM_000379.4 (MANE Select); 5 bases into the intron after coding-DNA position 3951, G replaced by T.
Molecular consequence: intron variant.
Genome position (GRCh38, 1-based): chr2:31,337,636, C>A on the plus strand (G>T on the coding strand, the complement: XDH is on the minus strand). VCF-style: chr2-31337636-C-A. GRCh37 (hg19) VCF-style: chr2-31560502-C-A.
Identifiers: ClinVar variation 2190348 (VCV002190348.5), dbSNP rs112278370, ClinGen allele CA1598207.